The following is an entry in ClinVar:

NM_001267550.2(TTN):c.7762A>T (p.Lys2588Ter)

Gene: TTN (titin; minus strand). Cytogenetic location: 2q31.2.
Variant type: single nucleotide variant.
Coding change: c.7762A>T on transcript NM_001267550.2 (MANE Select); coding-DNA position 7762, A replaced by T.
Protein change: p.Lys2588Ter; replaces lysine 2588 with a stop codon.
Molecular consequence: nonsense.
Genome position (GRCh38, 1-based): chr2:178,773,202, T>A on the plus strand (A>T on the coding strand, the complement: TTN is on the minus strand). VCF-style: chr2-178773202-T-A. GRCh37 (hg19) VCF-style: chr2-179637929-T-A.
Other names: c.7762A>T, p.Lys2588Ter (NM_001256850.1, NM_133378.4, NM_133379.5); c.7624A>T, p.Lys2542Ter (NM_003319.4, NM_133432.3, NM_133437.4); c.7762A>T (NM_001267550.1); short protein forms K2588*, K2542*.
Identifiers: ClinVar variation 488997 (VCV000488997.16), dbSNP rs1553999955, ClinGen allele CA349679037.

ClinVar aggregate classification (germline): Likely pathogenic. Review status: criteria provided, multiple submitters, no conflicts (2 of 4 stars). 3 submissions from 3 submitters: Likely pathogenic (3). Last evaluated 2025-12-10.

Conditions:
Cardiovascular phenotype. Identifiers: MedGen CN230736.
Dilated cardiomyopathy 1G (CMD1G). Identifiers: Orphanet 154, MedGen C1858763, MONDO:0011400, OMIM 604145.
Autosomal recessive limb-girdle muscular dystrophy type 2J (LGMDR10). Also called: Limb-girdle muscular dystrophy, type 2J; MUSCULAR DYSTROPHY, LIMB-GIRDLE, AUTOSOMAL RECESSIVE 10. Identifiers: Orphanet 140922, MedGen C1837342, MONDO:0012127, OMIM 608807.

Submissions (3):

Ambry Genetics
Classification: Likely pathogenic for Cardiovascular phenotype. Last evaluated: 2025-12-10. Review status: criteria provided, single submitter. Criteria: Ambry Variant Classification Scheme 2023. Collection method: clinical testing. Allele origin: germline.
Comment: The p.K2542* variant (also known as c.7624A>T), located in coding exon 31 of the TTN gene, results from an A to T substitution at nucleotide position 7624. This changes the amino acid from a lysine to a stop codon within coding exon 31. This exon is located in the I-band region of the N2-B isoform of the titin protein and is constitutively expressed in TTN transcripts (percent spliced in or PSI 100%). This variant is considered to be rare based on population cohorts in the Genome Aggregation Database (gnomAD). This variant is expected to result in loss of function by premature protein truncation or nonsense-mediated mRNA decay. While truncating variants in TTN are present in 1-3% of the general population, truncating variants in the A-band are the most common cause of dilated cardiomyopathy (Herman DS et al. N. Engl. J. Med., 2012 Feb;366:619-28; Roberts AM et al. Sci Transl Med, 2015 Jan;7:270ra6). TTN truncating variants encoded in constitutive exons (PSI >90%) have been found to be significantly associated with DCM regardless of their position in titin (Schafer S et al. Nat. Genet., 2017 01;49:46-53; Akhtar MM et al. Circ Heart Fail, 2020 Oct;13:e006832; Massier M et al. Clin Genet, 2025 Jan). Based on the majority of available evidence to date, this variant is likely to be pathogenic.

GeneDx
Classification: Likely pathogenic. Last evaluated: 2025-11-19. Review status: criteria provided, single submitter. Criteria: GeneDx Variant Classification Process June 2021. Collection method: clinical testing. Allele origin: germline. Affected: yes.
Comment: Not observed at significant frequency in large population cohorts (gnomAD); Has not been previously published as pathogenic or benign to our knowledge; Located in a specific region of the I-band within TTN for which truncating variants are significantly associated with autosomal dominant cardiomyopathy and also with autosomal recessive skeletal myopathies (PMID: 27625338, 27869827, 32778822); This variant is associated with the following publications: (PMID: 27625338, 27869827, 32778822)

Labcorp Genetics (formerly Invitae), Labcorp
Classification: Likely pathogenic for Dilated cardiomyopathy 1G; Autosomal recessive limb-girdle muscular dystrophy type 2J. Last evaluated: 2024-10-18. Review status: criteria provided, single submitter. Criteria: Invitae Variant Classification Sherloc (09022015). Collection method: clinical testing. Allele origin: germline.
Comment: This sequence change creates a premature translational stop signal (p.Lys2588*) in the TTN gene. While this is not anticipated to result in nonsense mediated decay, it is expected to create a truncated TTN protein. This variant is not present in population databases (gnomAD no frequency). This variant has not been reported in the literature in individuals affected with TTN-related conditions. ClinVar contains an entry for this variant (Variation ID: 488997). This variant is located in the I band of TTN (PMID: 25589632). Truncating variants in this region have been reported in individuals affected with autosomal recessive centronuclear myopathy (PMID: 23975875, internal data). Truncating variants in this region have also been identified in individuals affected with autosomal dominant dilated cardiomyopathy and/or cardio-related conditions (PMID: 27869827, 32964742, internal data). In summary, the currently available evidence indicates that the variant is pathogenic, but additional data are needed to prove that conclusively. Therefore, this variant has been classified as Likely Pathogenic.

Literature cited by the submitters: PubMed 25589632 (cited by Labcorp Genetics (formerly Invitae), Labcorp); PubMed 23975875 (cited by Labcorp Genetics (formerly Invitae), Labcorp); PubMed 27869827 (cited by Labcorp Genetics (formerly Invitae), Labcorp); PubMed 32964742 (cited by Labcorp Genetics (formerly Invitae), Labcorp).